The following is an entry in ClinVar:

NM_001048174.2(MUTYH):c.1553G>C (p.Ser518Thr)

Gene: MUTYH (mutY DNA glycosylase; minus strand). Cytogenetic location: 1p34.1.
Variant type: single nucleotide variant.
Coding change: c.1553G>C on transcript NM_001048174.2 (MANE Select); coding-DNA position 1553, G replaced by C.
Protein change: p.Ser518Thr; replaces serine 518 with threonine.
Molecular consequence: missense variant. On other transcripts: non-coding transcript variant (2).
Genome position (GRCh38, 1-based): chr1:45,329,319, C>G on the plus strand (G>C on the coding strand, the complement: MUTYH is on the minus strand). VCF-style: chr1-45329319-C-G. GRCh37 (hg19) VCF-style: chr1-45794991-C-G.
Other names: c.1553G>C, p.Ser518Thr (NM_001048171.2, NM_001048173.2, NM_001293195.2); c.1556G>C, p.Ser519Thr (NM_001048172.2); c.1637G>C, p.Ser546Thr (NM_001128425.2); c.1598G>C, p.Ser533Thr (NM_001293190.2); c.1586G>C, p.Ser529Thr (NM_001293191.2); c.1277G>C, p.Ser426Thr (NM_001293192.2, NM_001293196.2); c.1208G>C, p.Ser403Thr (NM_001350650.2, NM_001350651.2); c.1628G>C, p.Ser543Thr (NM_012222.3); and 1 more; short protein forms S426T, S518T, S519T, S529T, S543T, S533T, S403T, S546T.
Identifiers: ClinVar variation 1499354 (VCV001499354.9), dbSNP rs2149087335, ClinGen allele CA340131502.

ClinVar aggregate classification (germline): Uncertain significance. Review status: criteria provided, multiple submitters, no conflicts (2 of 4 stars). 2 submissions from 2 submitters: Uncertain significance (2). Last evaluated 2025-08-27.

Conditions:
Hereditary cancer-predisposing syndrome. Also called: Tumor predisposition; Neoplastic Syndromes, Hereditary; Hereditary Cancer Syndrome; Hereditary neoplastic syndrome. Identifiers: Orphanet 140162, MedGen C0027672, MeSH D009386, MONDO:0015356.
Familial adenomatous polyposis 2. Also called: MYH-associated polyposis; Adenomas, multiple colorectal; COLORECTAL ADENOMATOUS POLYPOSIS, AUTOSOMAL RECESSIVE; ADENOMAS, MULTIPLE COLORECTAL, AUTOSOMAL RECESSIVE; FAP type 2; MUTYH Polyposis. Identifiers: Orphanet 220460, Orphanet 247798, MedGen C3272841, MONDO:0012041, OMIM 608456.

gnomAD v4.1: 6 of 1,614,200 alleles (0.00037%); highest among the groups gnomAD compares: Non-Finnish European, 0.00051%; no homozygotes.

Submissions (2):

Ambry Genetics
Classification: Uncertain significance for Hereditary cancer-predisposing syndrome. Last evaluated: 2025-08-27. Review status: criteria provided, single submitter. Criteria: Ambry Variant Classification Scheme 2023. Collection method: clinical testing. Allele origin: germline.
Comment: The p.S546T variant (also known as c.1637G>C), located in coding exon 16 of the MUTYH gene, results from a G to C substitution at nucleotide position 1637. The serine at codon 546 is replaced by threonine, an amino acid with similar properties. This amino acid position is conserved. In addition, this alteration is predicted to be tolerated by in silico analysis. Based on the available evidence, the clinical significance of this variant remains unclear.

Labcorp Genetics (formerly Invitae), Labcorp
Classification: Uncertain significance for Familial adenomatous polyposis 2. Last evaluated: 2020-12-31. Review status: criteria provided, single submitter. Criteria: Invitae Variant Classification Sherloc (09022015). Collection method: clinical testing. Allele origin: germline.
Comment: In summary, the available evidence is currently insufficient to determine the role of this variant in disease. Therefore, it has been classified as a Variant of Uncertain Significance. Algorithms developed to predict the effect of missense changes on protein structure and function output the following: SIFT: "Tolerated"; PolyPhen-2: "Benign"; Align-GVGD: "Class C0". The threonine amino acid residue is found in multiple mammalian species, suggesting that this missense change does not adversely affect protein function. These predictions have not been confirmed by published functional studies and their clinical significance is uncertain. This variant has not been reported in the literature in individuals with MUTYH-related conditions. This variant is not present in population databases (ExAC no frequency). This sequence change replaces serine with threonine at codon 546 of the MUTYH protein (p.Ser546Thr). The serine residue is moderately conserved and there is a small physicochemical difference between serine and threonine.